The following is an entry in ClinVar:

NM_032578.4(MYPN):c.1708G>A (p.Val570Met)

Gene: MYPN (myopalladin; plus strand). Cytogenetic location: 10q21.3.
Variant type: single nucleotide variant.
Coding change: c.1708G>A on transcript NM_032578.4 (MANE Select); coding-DNA position 1708, G replaced by A.
Protein change: p.Val570Met; replaces valine 570 with methionine.
Molecular consequence: missense variant. On other transcripts: non-coding transcript variant (2).
Genome position (GRCh38, 1-based): chr10:68,166,401, G>A. VCF-style: chr10-68166401-G-A. GRCh37 (hg19) VCF-style: chr10-69926158-G-A.
Other names: c.1708G>A, p.Val570Met (NM_001256267.2); c.826G>A, p.Val276Met (NM_001256268.2); short protein forms V276M, V570M.
Identifiers: ClinVar variation 5025296 (VCV005025296.1).

ClinVar aggregate classification (germline): Uncertain significance (1 of 4 stars; one submission).

Conditions:
Cardiovascular phenotype. Identifiers: MedGen CN230736.

gnomAD v4.1: 1 of 1,613,968 alleles (0.000062%); highest among the groups gnomAD compares: Non-Finnish European, 0.000085%; no homozygotes.

Submission:

Ambry Genetics
Classification: Uncertain significance for Cardiovascular phenotype. Last evaluated: 2026-07-01. Review status: criteria provided, single submitter. Criteria: Ambry Variant Classification Scheme 2023. Collection method: clinical testing. Allele origin: germline.
Comment: The p.V570M variant (also known as c.1708G>A), located in coding exon 9 of the MYPN gene, results from a G to A substitution at nucleotide position 1708. The valine at codon 570 is replaced by methionine, an amino acid with highly similar properties. This amino acid position is conserved. In addition, this alteration is predicted to be tolerated by in silico analysis. Based on the available evidence, the clinical significance of this variant remains unclear.